The following is an entry in ClinVar:

NM_001024630.4(RUNX2):c.*2826G>A

Gene: RUNX2 (RUNX family transcription factor 2; plus strand). Cytogenetic location: 6p21.1.
Variant type: single nucleotide variant.
Coding change: c.*2826G>A on transcript NM_001024630.4 (MANE Select); 2826 bases downstream of the stop codon, G replaced by A.
Molecular consequence: 3 prime UTR variant.
Genome position (GRCh38, 1-based): chr6:45,550,131, G>A. VCF-style: chr6-45550131-G-A. GRCh37 (hg19) VCF-style: chr6-45517868-G-A.
Other names: c.*2826G>A (NM_001015051.4, NM_001278478.2, NM_001369405.1).
Identifiers: ClinVar variation 357135 (VCV000357135.5), dbSNP rs537731522, ClinGen allele CA10627116.

ClinVar aggregate classification (germline): Benign (1 of 4 stars; one submission).

Conditions:
Cleidocranial dysostosis (CLCD1). Also called: cleidocranial dysplasia 1; Marie-Sainton disease; Cleidocranial Dysplasia Spectrum Disorder. Identifiers: Orphanet 1452, MedGen C0008928, MONDO:0007340, OMIM 119600.

Allele frequency attached by ClinVar (database versions not stated): TOPMed 0.00003; gnomAD 0.00004 and 0.00011; 1000 Genomes Project 0.00040; 1000 Genomes Project 30x 0.00047.

Submission:

Illumina Laboratory Services, Illumina
Classification: Benign for Cleidocranial dysostosis. Last evaluated: 2018-01-13. Review status: criteria provided, single submitter. Criteria: ICSL Variant Classification Criteria 13 December 2019. Collection method: clinical testing. Allele origin: germline.
Comment: This variant was observed in the ICSL laboratory as part of a predisposition screen in an ostensibly healthy population. It had not been previously curated by ICSL or reported in the Human Gene Mutation Database (HGMD: prior to June 1st, 2018), and was therefore a candidate for classification through an automated scoring system. Utilizing variant allele frequency, disease prevalence and penetrance estimates, and inheritance mode, an automated score was calculated to assess if this variant is too frequent to cause the disease. Based on the score and internal cut-off values, a variant classified as benign is not then subjected to further curation. The score for this variant resulted in a classification of benign for this disease.